The following is an entry in ClinVar:

NM_172107.4(KCNQ2):c.359A>G (p.Lys120Arg)

Gene: KCNQ2 (potassium voltage-gated channel subfamily Q member 2; minus strand). Cytogenetic location: 20q13.33.
Variant type: single nucleotide variant.
Coding change: c.359A>G on transcript NM_172107.4 (MANE Select); coding-DNA position 359, A replaced by G.
Protein change: p.Lys120Arg; replaces lysine 120 with arginine.
Molecular consequence: missense variant.
Genome position (GRCh38, 1-based): chr20:63,446,775, T>C on the plus strand (A>G on the coding strand, the complement: KCNQ2 is on the minus strand). VCF-style: chr20-63446775-T-C. GRCh37 (hg19) VCF-style: chr20-62078128-T-C.
Other names: c.359A>G, p.Lys120Arg (NM_001382235.1, NM_004518.6, NM_172106.3 and 2 more transcripts); short protein forms K120R.
Identifiers: ClinVar variation 2663684 (VCV002663684.1), dbSNP rs2516533266, ClinGen allele CA409656382.

ClinVar aggregate classification (germline): Uncertain significance (1 of 4 stars; one submission).

Submission:

GeneDx
Classification: Uncertain significance. Last evaluated: 2023-04-25. Review status: criteria provided, single submitter. Criteria: GeneDx Variant Classification Process June 2021. Collection method: clinical testing. Allele origin: germline. Affected: yes.
Comment: Not observed at significant frequency in large population cohorts (gnomAD); Missense variants in this gene are often considered pathogenic (HGMD); In silico analysis supports that this missense variant does not alter protein structure/function; This substitution is predicted to be within the extracellular loop between the S1 and S2 transmembrane segments; Has not been previously published as pathogenic or benign to our knowledge